The following is an entry in ClinVar:

NM_004565.3(PEX14):c.328G>A (p.Gly110Ser)

Gene: PEX14 (peroxisomal biogenesis factor 14; plus strand). Cytogenetic location: 1p36.22.
Variant type: single nucleotide variant.
Coding change: c.328G>A on transcript NM_004565.3 (MANE Select); coding-DNA position 328, G replaced by A.
Protein change: p.Gly110Ser; replaces glycine 110 with serine.
Molecular consequence: missense variant.
Genome position (GRCh38, 1-based): chr1:10,618,361, G>A. VCF-style: chr1-10618361-G-A. GRCh37 (hg19) VCF-style: chr1-10678418-G-A.
Other names: c.328G>A (NM_004565.2); short protein forms G110S.
Identifiers: ClinVar variation 1351238 (VCV001351238.6), dbSNP rs771702217, ClinGen allele CA583804.
Genomic context (GRCh38, chr1:10,618,361, plus strand): 5'-CTTCTAACCCTCCTCCTCTTCCCGCCTGTAGGTCCCGCAGGCTCCCGATGGCGAGATTAC[G>A]GCGCCCTGGCCATCATCATGGCAGGCATTGCATTTGGCTTTCACCAGCTCTACAAGGTGA-3'
Protein context (NP_004556.1, residues 100-120): SPAGSRWRDY[Gly110Ser]ALAIIMAGIA

ClinVar aggregate classification (germline): Uncertain significance. Review status: criteria provided, multiple submitters, no conflicts (2 of 4 stars). 2 submissions from 2 submitters: Uncertain significance (2). Last evaluated 2024-04-23.

Conditions:
Peroxisome biogenesis disorder, complementation group K (CGK). Identifiers: MedGen C1866257, MONDO:0800365.
Inborn genetic diseases. Identifiers: MedGen C0950123, MeSH D030342.

Allele frequency attached by ClinVar (database versions not stated): gnomAD 0.00001 and 0.00002; ExAC 0.00002; TOPMed 0.00002.
gnomAD v4.1: 20 of 1,613,844 alleles (0.0012%); highest among the groups gnomAD compares: African/African-American, 0.0067%; no homozygotes.

Submissions (2):

Ambry Genetics
Classification: Uncertain significance for Inborn genetic diseases. Last evaluated: 2024-04-23. Review status: criteria provided, single submitter. Criteria: Ambry Variant Classification Scheme 2023. Collection method: clinical testing. Allele origin: germline.

Labcorp Genetics (formerly Invitae), Labcorp
Classification: Uncertain significance for Peroxisome biogenesis disorder, complementation group K. Last evaluated: 2021-08-28. Review status: criteria provided, single submitter. Criteria: Invitae Variant Classification Sherloc (09022015). Collection method: clinical testing. Allele origin: germline.
Comment: This sequence change replaces glycine with serine at codon 110 of the PEX14 protein (p.Gly110Ser). The glycine residue is moderately conserved and there is a small physicochemical difference between glycine and serine. This variant is present in population databases (rs771702217, ExAC 0.006%). This variant has not been reported in the literature in individuals affected with PEX14-related conditions. Algorithms developed to predict the effect of missense changes on protein structure and function output the following: SIFT: "Tolerated"; PolyPhen-2: "Possibly Damaging"; Align-GVGD: "Class C0". The serine amino acid residue is found in multiple mammalian species, which suggests that this missense change does not adversely affect protein function. In summary, the available evidence is currently insufficient to determine the role of this variant in disease. Therefore, it has been classified as a Variant of Uncertain Significance.